The following is an entry in ClinVar:

NM_206933.4(USH2A):c.5919G>A (p.Val1973=)

Gene: USH2A (usherin; minus strand). Cytogenetic location: 1q41.
Variant type: single nucleotide variant.
Coding change: c.5919G>A on transcript NM_206933.4 (MANE Select); coding-DNA position 5919, G replaced by A.
Protein change: p.Val1973=; no amino-acid change (valine 1973 retained).
Molecular consequence: synonymous variant.
Genome position (GRCh38, 1-based): chr1:216,070,231, C>T on the plus strand (G>A on the coding strand, the complement: USH2A is on the minus strand). VCF-style: chr1-216070231-C-T. GRCh37 (hg19) VCF-style: chr1-216243573-C-T.
Identifiers: ClinVar variation 1064963 (VCV001064963.11), dbSNP rs2102546199, ClinGen allele CA423319830.
Genomic context (GRCh38, chr1:216,070,231, plus strand): 5'-ACTATAGGCTTTCAGAATGTACTTCTCAATTACACCTCTGACAACAGGTTCATCCCAGGT[C>T]ACCTCAATGCTGTATCCATTTAAGCTGCGGACTCTTGAGGGAGTTGGCACACTTTGTGGA-3'
Protein context (NP_996816.3, residues 1963-1983): VRSLNGYSIE[Val1973=]TWDEPVVRGV

ClinVar aggregate classification (germline): Likely benign. Review status: criteria provided, multiple submitters, no conflicts (2 of 4 stars). 4 submissions from 3 submitters: Likely benign (4). Last evaluated 2024-02-17.

Conditions:
Hearing impairment. Also called: Impaired Hearing. Identifiers: MedGen C1384666, MONDO:0005365, HP:0000365.
Retinitis pigmentosa 39 (RP39). Identifiers: Orphanet 791, MedGen C3151138, MONDO:0013436, OMIM 613809.
Usher syndrome type 2A. Also called: RETINAL DISEASE IN USHER SYNDROME TYPE IIA, MODIFIER OF; USHER SYNDROME, TYPE IIA. Identifiers: Orphanet 231178, Orphanet 886, MedGen C1848634, MONDO:0010169, OMIM 276901.

gnomAD v4.1: 2 of 1,613,970 alleles (0.00012%); highest among the groups gnomAD compares: Non-Finnish European, 0.00017%; no homozygotes.

Submissions (4):

Labcorp Genetics (formerly Invitae), Labcorp
Classification: Likely benign. Last evaluated: 2024-02-17. Review status: criteria provided, single submitter. Criteria: Invitae Variant Classification Sherloc (09022015). Collection method: clinical testing. Allele origin: germline.

Genome-Nilou Lab
Classification: Likely benign for Retinitis pigmentosa 39. Last evaluated: 2023-11-04. Review status: criteria provided, single submitter. Criteria: ACMG Guidelines, 2015. Collection method: clinical testing. Allele origin: germline. Affected: no.

Genome-Nilou Lab
Classification: Likely benign for Usher syndrome type 2A. Last evaluated: 2023-11-04. Review status: criteria provided, single submitter. Criteria: ACMG Guidelines, 2015. Collection method: clinical testing. Allele origin: germline. Affected: no.

Department of Otolaryngology – Head & Neck Surgery, Cochlear Implant Center
Classification: Likely benign for Hearing impairment. Last evaluated: 2021-04-12. Review status: criteria provided, single submitter. Criteria: ClinGen HL ACMG Specifications v1. Collection method: clinical testing. Allele origin: germline. Affected: yes.
Comment: PM2_Moderate, BP4_Supporting, BP7_Supporting